The following is an entry in ClinVar:

NM_000361.3(THBD):c.853A>G (p.Thr285Ala)

Gene: THBD (thrombomodulin; minus strand). Cytogenetic location: 20p11.21.
Variant type: single nucleotide variant.
Coding change: c.853A>G on transcript NM_000361.3 (MANE Select); coding-DNA position 853, A replaced by G.
Protein change: p.Thr285Ala; replaces threonine 285 with alanine.
Molecular consequence: missense variant.
Genome position (GRCh38, 1-based): chr20:23,048,652, T>C on the plus strand (A>G on the coding strand, the complement: THBD is on the minus strand). VCF-style: chr20-23048652-T-C. GRCh37 (hg19) VCF-style: chr20-23029289-T-C.
Other names: short protein forms T285A.
Identifiers: ClinVar variation 1381683 (VCV001381683.6), dbSNP rs1485432744, ClinGen allele CA408406810.

ClinVar aggregate classification (germline): Uncertain significance (1 of 4 stars; one submission).

Allele frequency attached by ClinVar (database versions not stated): TOPMed below 0.00001; gnomAD 0.00001.
gnomAD v4.1: 1 of 1,593,742 alleles (0.000063%); highest among the groups gnomAD compares: Non-Finnish European, 0.000085%; no homozygotes.

Submission:

Labcorp Genetics (formerly Invitae), Labcorp
Classification: Uncertain significance. Last evaluated: 2021-09-17. Review status: criteria provided, single submitter. Criteria: Invitae Variant Classification Sherloc (09022015). Collection method: clinical testing. Allele origin: germline.
Comment: This variant has not been reported in the literature in individuals affected with THBD-related conditions. In summary, the available evidence is currently insufficient to determine the role of this variant in disease. Therefore, it has been classified as a Variant of Uncertain Significance. Algorithms developed to predict the effect of missense changes on protein structure and function output the following: SIFT: "Tolerated"; PolyPhen-2: "Benign"; Align-GVGD: "Class C0". The alanine amino acid residue is found in multiple mammalian species, which suggests that this missense change does not adversely affect protein function. This variant is not present in population databases (ExAC no frequency). This sequence change replaces threonine with alanine at codon 285 of the THBD protein (p.Thr285Ala). The threonine residue is weakly conserved and there is a small physicochemical difference between threonine and alanine.